The following is an entry in ClinVar:

NM_172245.4(CSF2RA):c.461T>C (p.Ile154Thr)

Gene: CSF2RA (colony stimulating factor 2 receptor subunit alpha; plus strand). Cytogenetic location: Xp22.33.
Variant type: single nucleotide variant.
Coding change: c.461T>C on transcript NM_172245.4 (MANE Select); coding-DNA position 461, T replaced by C.
Protein change: p.Ile154Thr; replaces isoleucine 154 with threonine.
Molecular consequence: missense variant. On other transcripts: non-coding transcript variant (1).
Genome position (GRCh38, 1-based): chrX:1,288,876, T>C. VCF-style: chrX-1288876-T-C. GRCh37 (hg19) VCF-style: chrX-1407769-T-C.
Other names: c.461T>C, p.Ile154Thr (NM_001161529.2, NM_001161530.2, NM_001161531.2 and 20 more transcripts); c.62T>C, p.Ile21Thr (NM_001161532.2); short protein forms I154T, I21T.
Identifiers: ClinVar variation 1488970 (VCV001488970.5), dbSNP rs1230316461, ClinGen allele CA412235438.

ClinVar aggregate classification (germline): Uncertain significance (1 of 4 stars; one submission).

Conditions:
Surfactant metabolism dysfunction, pulmonary, 4 (SMDP4). Also called: PAP DUE TO CSF2RA DEFICIENCY; PULMONARY ALVEOLAR PROTEINOSIS, CONGENITAL, 4; CSF2RA DEFICIENCY. Identifiers: Orphanet 264675, MedGen C2677877, MONDO:0010424, OMIM 300770.

Allele frequency attached by ClinVar (database versions not stated): gnomAD exomes below 0.00001.
gnomAD v4.1: 2 of 1,607,890 alleles (0.00012%); highest among the groups gnomAD compares: South Asian, 0.0022%; no homozygotes.

Submission:

Labcorp Genetics (formerly Invitae), Labcorp
Classification: Uncertain significance for Surfactant metabolism dysfunction, pulmonary, 4. Last evaluated: 2021-08-08. Review status: criteria provided, single submitter. Criteria: Invitae Variant Classification Sherloc (09022015). Collection method: clinical testing. Allele origin: germline.
Comment: This sequence change replaces isoleucine with threonine at codon 154 of the CSF2RA protein (p.Ile154Thr). The isoleucine residue is moderately conserved and there is a moderate physicochemical difference between isoleucine and threonine. This variant is not present in population databases (ExAC no frequency). This variant has not been reported in the literature in individuals affected with CSF2RA-related conditions. Algorithms developed to predict the effect of missense changes on protein structure and function are either unavailable or do not agree on the potential impact of this missense change (SIFT: "Deleterious"; PolyPhen-2: "Probably Damaging"; Align-GVGD: "Class C0"). In summary, the available evidence is currently insufficient to determine the role of this variant in disease. Therefore, it has been classified as a Variant of Uncertain Significance.